The following is an entry in ClinVar:

NM_005120.3(MED12):c.5295G>C (p.Glu1765Asp)

Gene: MED12 (mediator complex subunit 12; plus strand). Cytogenetic location: Xq13.1.
Variant type: single nucleotide variant.
Coding change: c.5295G>C on transcript NM_005120.3 (MANE Select); coding-DNA position 5295, G replaced by C.
Protein change: p.Glu1765Asp; replaces glutamic acid 1765 with aspartic acid.
Molecular consequence: missense variant.
Genome position (GRCh38, 1-based): chrX:71,136,550, G>C. VCF-style: chrX-71136550-G-C. GRCh37 (hg19) VCF-style: chrX-70356400-G-C.
Other names: c.5295G>C (NM_005120.2); short protein forms E1765D.
Identifiers: ClinVar variation 2041063 (VCV002041063.5), dbSNP rs763136667, ClinGen allele CA10444763.

ClinVar aggregate classification (germline): Conflicting classifications of pathogenicity. Review status: criteria provided, conflicting classifications (1 of 4 stars). 2 submissions from 2 submitters: Uncertain significance (1); Likely benign (1). Last evaluated 2024-01-08.

Conditions:
FG syndrome (FGS). Identifiers: MedGen C0220769, MONDO:0002010.

Allele frequency attached by ClinVar (database versions not stated): gnomAD exomes 0.00001; ExAC 0.00002.
gnomAD v4.1: 3 of 1,197,902 alleles (0.00025%); highest among the groups gnomAD compares: Admixed American, 0.0023%; no homozygotes.

Submissions (2):

GeneDx
Classification: Uncertain significance. Last evaluated: 2024-01-08. Review status: criteria provided, single submitter. Criteria: GeneDx Variant Classification Process June 2021. Collection method: clinical testing. Allele origin: germline. Affected: yes.
Comment: Not observed at significant frequency in large population cohorts (gnomAD); In silico analysis supports that this missense variant does not alter protein structure/function; Has not been previously published as pathogenic or benign to our knowledge

Labcorp Genetics (formerly Invitae), Labcorp
Classification: Likely benign for FG syndrome. Last evaluated: 2022-03-24. Review status: criteria provided, single submitter. Criteria: Invitae Variant Classification Sherloc (09022015). Collection method: clinical testing. Allele origin: germline.